The following is an entry in ClinVar:

NM_000051.4(ATM):c.5610del (p.Phe1870fs)

Gene: ATM (ATM serine/threonine kinase; plus strand). Cytogenetic location: 11q22.3.
Variant type: Deletion.
Coding change: c.5610del on transcript NM_000051.4 (MANE Select); coding-DNA position 5610, one base deleted (C; older notation c.5610delC).
Protein change: p.Phe1870fs; shifts the reading frame from phenylalanine 1870.
Molecular consequence: frameshift variant.
Genome position (GRCh38, 1-based): chr11:108,304,788, C deleted. VCF-style (leftmost placement, unchanged base first): chr11-108304787-TC-T. GRCh37 (hg19) VCF-style: chr11-108175514-TC-T.
Other names: c.5610del, p.Phe1870fs (NM_001351834.2); short protein forms F1870fs.
Identifiers: ClinVar variation 1748633 (VCV001748633.7), dbSNP rs2546987919, ClinGen allele CA2580083398.

ClinVar aggregate classification (germline): Pathogenic. Review status: criteria provided, multiple submitters, no conflicts (2 of 4 stars). 3 submissions from 3 submitters: Pathogenic (3). Last evaluated 2026-01-05.

Conditions:
Ataxia-telangiectasia syndrome (AT). Also called: LOUIS-BAR SYNDROME; Cerebello-oculocutaneous telangiectasia; Immunodeficiency with ataxia telangiectasia; Ataxia-telangiectasia, complementation group D; AT, COMPLEMENTATION GROUP C; ATAXIA-TELANGIECTASIA, COMPLEMENTATION GROUP A. Identifiers: Orphanet 100, MedGen C0004135, MONDO:0008840, OMIM 208900.
Familial cancer of breast. Also called: BREAST CANCER, FAMILIAL; Hereditary breast cancer; hereditary breast carcinoma. Identifiers: Orphanet 227535, MedGen C0346153, MONDO:0016419, OMIM 114480. Disease mechanism: loss of function.
Hereditary cancer-predisposing syndrome. Also called: Neoplastic Syndromes, Hereditary; Tumor predisposition; Hereditary Cancer Syndrome; Hereditary neoplastic syndrome. Identifiers: Orphanet 140162, MedGen C0027672, MeSH D009386, MONDO:0015356.

Submissions (3):

Labcorp Genetics (formerly Invitae), Labcorp
Classification: Pathogenic for Ataxia-telangiectasia syndrome. Last evaluated: 2026-01-05. Review status: criteria provided, single submitter. Criteria: Invitae Variant Classification Sherloc (09022015). Collection method: clinical testing. Allele origin: germline.
Comment: This sequence change creates a premature translational stop signal (p.Phe1870Leufs*47) in the ATM gene. It is expected to result in an absent or disrupted protein product. Loss-of-function variants in ATM are known to be pathogenic (PMID: 23807571, 25614872). This variant is not present in population databases (gnomAD no frequency). This variant has not been reported in the literature in individuals affected with ATM-related conditions. ClinVar contains an entry for this variant (Variation ID: 1748633). For these reasons, this variant has been classified as Pathogenic.

Ambry Genetics
Classification: Pathogenic for Hereditary cancer-predisposing syndrome. Last evaluated: 2025-04-13. Review status: criteria provided, single submitter. Criteria: Ambry Variant Classification Scheme 2023. Collection method: clinical testing. Allele origin: germline.
Comment: The c.5610delC pathogenic mutation, located in coding exon 36 of the ATM gene, results from a deletion of one nucleotide at nucleotide position 5610, causing a translational frameshift with a predicted alternate stop codon (p.F1870Lfs*47). This alteration is expected to result in loss of function by premature protein truncation or nonsense-mediated mRNA decay. As such, this alteration is interpreted as a disease-causing mutation.

Myriad Genetics, Inc.
Classification: Pathogenic for Familial cancer of breast. Last evaluated: 2023-12-06. Review status: criteria provided, single submitter. Criteria: Myriad Autosomal Dominant, Autosomal Recessive and X-Linked Classification Criteria (2023). Collection method: clinical testing. Allele origin: unknown.
Comment: This variant is considered pathogenic. This variant creates a frameshift predicted to result in premature protein truncation.

Literature cited by the submitters: PubMed 23807571 (cited by Labcorp Genetics (formerly Invitae), Labcorp); PubMed 25614872 (cited by Labcorp Genetics (formerly Invitae), Labcorp).